The following is an entry in ClinVar:

ClinVar aggregate classification (germline): Uncertain significance (1 of 4 stars; one submission).

Conditions:
MYO3A-related disorder. Also called: MYO3A-related condition.

Submission:

PreventionGenetics, part of Exact Sciences
Classification: Uncertain significance for MYO3A-related condition. Last evaluated: 2026-07-20. Review status: criteria provided, single submitter. Criteria: ACMG Guidelines, 2015. Collection method: clinical testing. Allele origin: germline.
Comment: The MYO3A c.4424A>C variant is predicted to result in the amino acid substitution p.Gln1475Pro. To our knowledge, this variant has not been reported in the literature. This variant is reported in 0.0016% of alleles in individuals of European (Non-Finnish) descent in gnomAD. At this time, the clinical significance of this variant is uncertain due to the absence of conclusive functional and genetic evidence.

NM_017433.5(MYO3A):c.4424A>C (p.Gln1475Pro)

Gene: MYO3A (myosin IIIA; plus strand). Cytogenetic location: 10p12.1.
Variant type: single nucleotide variant.
Coding change: c.4424A>C on transcript NM_017433.5 (MANE Select); coding-DNA position 4424, A replaced by C.
Protein change: p.Gln1475Pro; replaces glutamine 1475 with proline.
Molecular consequence: missense variant.
Genome position (GRCh38, 1-based): chr10:26,176,831, A>C. VCF-style: chr10-26176831-A-C. GRCh37 (hg19) VCF-style: chr10-26465760-A-C.
Other names: short protein forms Q1475P.
Identifiers: ClinVar variation 4979479 (VCV004979479.1).